The following is an entry in ClinVar:

NM_015331.3(NCSTN):c.214G>T (p.Val72Phe)

Gene: NCSTN (nicastrin; plus strand). Cytogenetic location: 1q23.2.
Variant type: single nucleotide variant.
Coding change: c.214G>T on transcript NM_015331.3 (MANE Select); coding-DNA position 214, G replaced by T.
Protein change: p.Val72Phe; replaces valine 72 with phenylalanine.
Molecular consequence: missense variant.
Genome position (GRCh38, 1-based): chr1:160,349,022, G>T. VCF-style: chr1-160349022-G-T. GRCh37 (hg19) VCF-style: chr1-160318812-G-T.
Other names: c.154G>T, p.Val52Phe (NM_001290184.2); c.214G>T, p.Val72Phe (NM_001290186.2, NM_001349729.2); short protein forms V72F, V52F.
Identifiers: ClinVar variation 2700397 (VCV002700397.3), dbSNP rs201411978, ClinGen allele CA1198638.
Genomic context (GRCh38, chr1:160,349,022, plus strand): 5'-TATGGGAGCTTTAATTTGACTCATTCTGTCCTGGCAGCTTCAATTAGTGGAGACACAGGG[G>T]TTATCCACGTAGTAGAGAAAGAGGAGGACCTACAGTGGGTATTGACTGATGGCCCCAACC-3'
Protein context (NP_056146.1, residues 62-82): CQSSISGDTG[Val72Phe]IHVVEKEEDL

ClinVar aggregate classification (germline): Uncertain significance (1 of 4 stars; one submission).

Allele frequency attached by ClinVar (database versions not stated): TOPMed below 0.00001; ExAC 0.00001.

Submission:

Labcorp Genetics (formerly Invitae), Labcorp
Classification: Uncertain significance. Last evaluated: 2023-12-12. Review status: criteria provided, single submitter. Criteria: Invitae Variant Classification Sherloc (09022015). Collection method: clinical testing. Allele origin: germline.
Comment: This sequence change replaces valine, which is neutral and non-polar, with phenylalanine, which is neutral and non-polar, at codon 72 of the NCSTN protein (p.Val72Phe). This variant is present in population databases (rs201411978, gnomAD 0.0009%). This variant has not been reported in the literature in individuals affected with NCSTN-related conditions. Advanced modeling of protein sequence and biophysical properties (such as structural, functional, and spatial information, amino acid conservation, physicochemical variation, residue mobility, and thermodynamic stability) performed at Invitae indicates that this missense variant is expected to disrupt NCSTN protein function with a positive predictive value of 80%. In summary, the available evidence is currently insufficient to determine the role of this variant in disease. Therefore, it has been classified as a Variant of Uncertain Significance.